The following is an entry in ClinVar:

ClinVar aggregate classification (germline): Uncertain significance (1 of 4 stars; one submission).

Allele frequency attached by ClinVar (database versions not stated): TOPMed below 0.00001; gnomAD 0.00001.

Submission:

GeneDx
Classification: Uncertain significance. Last evaluated: 2022-08-22. Review status: criteria provided, single submitter. Criteria: GeneDx Variant Classification Process June 2021. Collection method: clinical testing. Allele origin: germline. Affected: yes.
Comment: Not observed at significant frequency in large population cohorts (gnomAD); In silico analysis supports that this missense variant has a deleterious effect on protein structure/function; Has not been previously published as pathogenic or benign to our knowledge

NM_024496.4(IRF2BPL):c.1510T>A (p.Cys504Ser)

Gene: IRF2BPL (interferon regulatory factor 2 binding protein like; minus strand). Cytogenetic location: 14q24.3.
Variant type: single nucleotide variant.
Coding change: c.1510T>A on transcript NM_024496.4 (MANE Select); coding-DNA position 1510, T replaced by A.
Protein change: p.Cys504Ser; replaces cysteine 504 with serine.
Molecular consequence: missense variant.
Genome position (GRCh38, 1-based): chr14:77,026,283, A>T on the plus strand (T>A on the coding strand, the complement: IRF2BPL is on the minus strand). VCF-style: chr14-77026283-A-T. GRCh37 (hg19) VCF-style: chr14-77492626-A-T.
Other names: short protein forms C504S.
Identifiers: ClinVar variation 2430505 (VCV002430505.1), dbSNP rs1479037901, ClinGen allele CA390493744.